The following is an entry in ClinVar:

NM_022124.6(CDH23):c.7720T>C (p.Tyr2574His)

Gene: CDH23 (cadherin related 23; plus strand). Cytogenetic location: 10q22.1.
Variant type: single nucleotide variant.
Coding change: c.7720T>C on transcript NM_022124.6 (MANE Select); coding-DNA position 7720, T replaced by C.
Protein change: p.Tyr2574His; replaces tyrosine 2574 with histidine.
Molecular consequence: missense variant.
Genome position (GRCh38, 1-based): chr10:71,803,268, T>C. VCF-style: chr10-71803268-T-C. GRCh37 (hg19) VCF-style: chr10-73563025-T-C.
Other names: c.1000T>C, p.Tyr334His (NM_001171933.1, NM_001171934.1); short protein forms Y2574H, Y334H.
Identifiers: ClinVar variation 300458 (VCV000300458.8), dbSNP rs886047141, ClinGen allele CA10635702.

ClinVar aggregate classification (germline): Uncertain significance. Review status: criteria provided, multiple submitters, no conflicts (2 of 4 stars). 5 submissions from 4 submitters: Uncertain significance (5). Last evaluated 2026-03-11.

Conditions:
Autosomal recessive nonsyndromic hearing loss 12. Also called: DEAFNESS, AUTOSOMAL RECESSIVE 12. Identifiers: Orphanet 90636, MedGen C1832394, MONDO:0011067, OMIM 601386.
CDH23-related disorder. Also called: CDH23-related condition; CDH23-related disorders.
Usher syndrome type 1D (USH1D). Also called: USHER SYNDROME, TYPE ID. Identifiers: Orphanet 231169, Orphanet 886, MedGen C1832845, MONDO:0010984, OMIM 601067.

Allele frequency attached by ClinVar (database versions not stated): gnomAD exomes below 0.00001 and 0.00001; gnomAD 0.00001; TOPMed 0.00002.
gnomAD v4.1: 19 of 1,593,420 alleles (0.0012%); highest among the groups gnomAD compares: Non-Finnish European, 0.0015%; no homozygotes.

Submissions (5):

PreventionGenetics, part of Exact Sciences
Classification: Uncertain significance for CDH23-related condition. Last evaluated: 2026-03-11. Review status: criteria provided, single submitter. Criteria: ACMG Guidelines, 2015. Collection method: clinical testing. Allele origin: germline.
Comment: The CDH23 c.7720T>C variant is predicted to result in the amino acid substitution p.Tyr2574His. To our knowledge, this variant has not been reported in the literature. This variant is reported in 0.0011% of alleles in individuals of European (Non-Finnish) descent in gnomAD. At this time, the clinical significance of this variant is uncertain due to the absence of conclusive functional and genetic evidence.

GeneDx
Classification: Uncertain significance. Last evaluated: 2022-05-23. Review status: criteria provided, single submitter. Criteria: GeneDx Variant Classification Process June 2021. Collection method: clinical testing. Allele origin: germline. Affected: yes.
Comment: Not observed at significant frequency in large population cohorts (gnomAD); In silico analysis supports that this missense variant does not alter protein structure/function; Has not been previously published as pathogenic or benign to our knowledge

Labcorp Genetics (formerly Invitae), Labcorp
Classification: Uncertain significance. Last evaluated: 2021-08-31. Review status: criteria provided, single submitter. Criteria: Invitae Variant Classification Sherloc (09022015). Collection method: clinical testing. Allele origin: germline.
Comment: This sequence change replaces tyrosine with histidine at codon 2574 of the CDH23 protein (p.Tyr2574His). The tyrosine residue is highly conserved and there is a moderate physicochemical difference between tyrosine and histidine. This variant is not present in population databases (ExAC no frequency). This variant has not been reported in the literature in individuals affected with CDH23-related conditions. ClinVar contains an entry for this variant (Variation ID: 300458). Algorithms developed to predict the effect of missense changes on protein structure and function are either unavailable or do not agree on the potential impact of this missense change (SIFT: "Deleterious"; PolyPhen-2: "Not Available"; Align-GVGD: "Class C0"). In summary, the available evidence is currently insufficient to determine the role of this variant in disease. Therefore, it has been classified as a Variant of Uncertain Significance.

Illumina Laboratory Services, Illumina
Classification: Uncertain significance for Autosomal recessive nonsyndromic hearing loss 12. Last evaluated: 2018-01-13. Review status: criteria provided, single submitter. Criteria: ICSL Variant Classification Criteria 13 December 2019. Collection method: clinical testing. Allele origin: germline.

Illumina Laboratory Services, Illumina
Classification: Uncertain significance for Usher syndrome type 1D. Last evaluated: 2018-01-13. Review status: criteria provided, single submitter. Criteria: ICSL Variant Classification Criteria 13 December 2019. Collection method: clinical testing. Allele origin: germline.